The following is an entry in ClinVar:

NM_002488.5(NDUFA2):c.209-221C>T

Genes: NDUFA2 (NADH:ubiquinone oxidoreductase subunit A2; minus strand), TMCO6 (transmembrane and coiled-coil domains 6; plus strand). Cytogenetic location: 5q31.3.
Variant type: single nucleotide variant.
Coding change: c.209-221C>T on transcript NM_002488.5 (MANE Select); 221 bases into the intron before coding-DNA position 209, C replaced by T.
Molecular consequence: intron variant.
Genome position (GRCh38, 1-based): chr5:140,645,899, G>A on the plus strand (C>T on the coding strand, the complement: NDUFA2 is on the minus strand). VCF-style: chr5-140645899-G-A. GRCh37 (hg19) VCF-style: chr5-140025484-G-A.
Other names: c.209-174C>T (NM_001185012.2).
Identifiers: ClinVar variation 682691 (VCV000682691.1), dbSNP rs778591, ClinGen allele CA12065084.

ClinVar aggregate classification (germline): Benign (1 of 4 stars; one submission).

Allele frequency attached by ClinVar (database versions not stated): TOPMed 0.41643; 1000 Genomes Project 0.42093; 1000 Genomes Project 30x 0.42458; gnomAD 0.43144 and 0.43226.
gnomAD v4.1: 65,395 of 151,920 alleles (43%); highest among the groups gnomAD compares: East Asian, 46%; 14,227 homozygotes.

Submission:

GeneDx
Classification: Benign. Last evaluated: 2018-06-14. Review status: criteria provided, single submitter. Criteria: GeneDx Variant Classification (06012015). Collection method: clinical testing. Allele origin: germline. Affected: yes.
Comment: This variant is considered likely benign or benign based on one or more of the following criteria: it is a conservative change, it occurs at a poorly conserved position in the protein, it is predicted to be benign by multiple in silico algorithms, and/or has population frequency not consistent with disease.